The following is an entry in ClinVar:

ClinVar aggregate classification (germline): Benign/Likely benign. Review status: criteria provided, multiple submitters, no conflicts (2 of 4 stars). 8 submissions from 8 submitters: Benign (2); Likely benign (5). 1 of the submissions does not count toward it. Last evaluated 2026-04-01.

Conditions:
SCP2-related disorder. Also called: SCP2-related condition.

Allele frequency attached by ClinVar (database versions not stated): gnomAD 0.00240 and 0.00251; TOPMed 0.00256; 1000 Genomes Project 0.00260; ESP Exome Variant Server 0.00292; 1000 Genomes Project 30x 0.00297; ExAC 0.00332; gnomAD exomes 0.00338 and 0.00362.
gnomAD v4.1: 5,740 of 1,613,792 alleles (0.36%); highest among the groups gnomAD compares: Middle Eastern, 1.3%; 20 homozygotes.

Submissions (8):

CeGaT Center for Human Genetics Tuebingen
Classification: Likely benign. Last evaluated: 2026-04-01. Review status: criteria provided, single submitter. Criteria: CeGaT Center For Human Genetics Tuebingen Variant Classification Criteria Version 2. Collection method: clinical testing. Allele origin: germline. Affected: yes. Observed: 14 variant alleles.
Comment: SCP2: BP4, BP7, BS2

Labcorp Genetics (formerly Invitae), Labcorp
Classification: Benign. Last evaluated: 2026-02-03. Review status: criteria provided, single submitter. Criteria: Invitae Variant Classification Sherloc (09022015). Collection method: clinical testing. Allele origin: germline.

Mayo Clinic Laboratories, Mayo Clinic
Classification: Likely benign. Last evaluated: 2025-02-26. Review status: criteria provided, single submitter. Criteria: ACMG Guidelines, 2015. Collection method: clinical testing. Allele origin: germline. Observed: 3 variant alleles.
Comment: BA1, BP4, BP7

Blueprint Genetics
Classification: Likely benign. Last evaluated: 2024-11-21. Review status: criteria provided, single submitter. Criteria: ACMG Guidelines, 2015. Collection method: clinical testing. Allele origin: germline.

GeneDx
Classification: Benign. Last evaluated: 2019-10-31. Review status: criteria provided, single submitter. Criteria: GeneDx Variant Classification Process June 2021. Collection method: clinical testing. Allele origin: germline. Affected: yes.

Eurofins Ntd Llc (ga)
Classification: Likely benign. Last evaluated: 2017-05-12. Review status: criteria provided, single submitter. Criteria: EGL Classification Definitions 2015. Collection method: clinical testing. Allele origin: germline. Observed: 2 variant alleles, 2 heterozygotes.

Breakthrough Genomics
Classification: Likely benign. Review status: criteria provided, single submitter. Criteria: ACMG Guidelines, 2015. Collection method: not provided. Allele origin: germline. Inheritance: Autosomal recessive inheritance. Affected: yes.

PreventionGenetics, part of Exact Sciences
Classification: Benign for SCP2-related condition. Last evaluated: 2022-02-10. Review status: no assertion criteria provided. Collection method: clinical testing. Allele origin: germline. Not counted in ClinVar's aggregate classification.
Comment: This variant is classified as benign based on ACMG/AMP sequence variant interpretation guidelines (Richards et al. 2015 PMID: 25741868, with internal and published modifications).

NM_002979.5(SCP2):c.687T>C (p.Asp229=)

Gene: SCP2 (sterol carrier protein 2; plus strand). Cytogenetic location: 1p32.3.
Variant type: single nucleotide variant.
Coding change: c.687T>C on transcript NM_002979.5 (MANE Select); coding-DNA position 687, T replaced by C.
Protein change: p.Asp229=; no amino-acid change (aspartic acid 229 retained).
Molecular consequence: synonymous variant.
Genome position (GRCh38, 1-based): chr1:52,978,229, T>C. VCF-style: chr1-52978229-T-C. GRCh37 (hg19) VCF-style: chr1-53443901-T-C.
Other names: p.Asp229=; c.555T>C, p.Asp185= (NM_001007098.3, NM_001193600.2); c.615T>C, p.Asp205= (NM_001193599.2); c.444T>C, p.Asp148= (NM_001193617.2); c.687T>C, p.Asp229= (NM_001330587.2).
Identifiers: ClinVar variation 286949 (VCV000286949.50), dbSNP rs80033039, ClinGen allele CA857209.